The following is an entry in ClinVar:

NM_000393.5(COL5A2):c.1570C>T (p.Pro524Ser)

Gene: COL5A2 (collagen type V alpha 2 chain; minus strand). Cytogenetic location: 2q32.2.
Variant type: single nucleotide variant.
Coding change: c.1570C>T on transcript NM_000393.5 (MANE Select); coding-DNA position 1570, C replaced by T.
Protein change: p.Pro524Ser; replaces proline 524 with serine.
Molecular consequence: missense variant.
Genome position (GRCh38, 1-based): chr2:189,065,051, G>A on the plus strand (C>T on the coding strand, the complement: COL5A2 is on the minus strand). VCF-style: chr2-189065051-G-A. GRCh37 (hg19) VCF-style: chr2-189929777-G-A.
Other names: p.Pro524Ser; short protein forms P524S.
Identifiers: ClinVar variation 650801 (VCV000650801.13), dbSNP rs200205564, ClinGen allele CA2022654.

ClinVar aggregate classification (germline): Conflicting classifications of pathogenicity. Review status: criteria provided, conflicting classifications (1 of 4 stars). 4 submissions from 4 submitters: Uncertain significance (2); Likely benign (2). Last evaluated 2025-10-10.

Conditions:
Ehlers-Danlos syndrome, classic type, 1 (EDSCL1). Also called: EHLERS-DANLOS SYNDROME, GRAVIS TYPE; EHLERS-DANLOS SYNDROME, SEVERE CLASSIC TYPE; Ehlers-Danlos syndrome, type 1; Ehlers-Danlos Syndrome, Classic Type, COL5A1-Related; EDS I. Identifiers: MedGen C0268335, MONDO:0019567, OMIM 130000.

Allele frequency attached by ClinVar (database versions not stated): gnomAD 0.00002; TOPMed 0.00002; gnomAD exomes 0.00010; ExAC 0.00025.
gnomAD v4.1: 59 of 1,613,526 alleles (0.0037%); highest among the groups gnomAD compares: Non-Finnish European, 0.004%; 1 homozygote.

Submissions (4):

Mayo Clinic Laboratories, Mayo Clinic
Classification: Uncertain significance. Last evaluated: 2025-10-10. Review status: criteria provided, single submitter. Criteria: ACMG Guidelines, 2015. Collection method: clinical testing. Allele origin: germline. Observed: 1 variant allele.
Comment: BS1

Blueprint Genetics
Classification: Likely benign. Last evaluated: 2024-03-14. Review status: criteria provided, single submitter. Criteria: ACMG Guidelines, 2015. Collection method: clinical testing. Allele origin: germline.

GeneDx
Classification: Uncertain significance. Last evaluated: 2024-01-23. Review status: criteria provided, single submitter. Criteria: GeneDx Variant Classification Process June 2021. Collection method: clinical testing. Allele origin: germline. Affected: yes.
Comment: Has not been previously published as pathogenic or benign to our knowledge; In silico analysis supports that this missense variant has a deleterious effect on protein structure/function

Labcorp Genetics (formerly Invitae), Labcorp
Classification: Likely benign for Ehlers-Danlos syndrome, classic type, 1. Last evaluated: 2023-01-20. Review status: criteria provided, single submitter. Criteria: Invitae Variant Classification Sherloc (09022015). Collection method: clinical testing. Allele origin: germline.